The following is an entry in ClinVar:

ClinVar aggregate classification (germline): Uncertain significance (1 of 4 stars; one submission).

Submission:

GeneDx
Classification: Uncertain significance. Last evaluated: 2024-01-22. Review status: criteria provided, single submitter. Criteria: GeneDx Variant Classification Process June 2021. Collection method: clinical testing. Allele origin: germline. Affected: yes.
Comment: Has not been previously published as pathogenic or benign to our knowledge; Not observed at significant frequency in large population cohorts (gnomAD); In silico analysis supports that this missense variant does not alter protein structure/function; Occurs in the triple helical domain at the X position in the canonical Gly-X-Y repeat; although this variant may have an effect on normal protein folding and function, missense substitution at the X position is not a common mechanism of disease (PMID: 22696272; HGMD); This variant is associated with the following publications: (PMID: 22696272)

NM_000093.5(COL5A1):c.2472C>G (p.Ile824Met)

Gene: COL5A1 (collagen type V alpha 1 chain; plus strand). Cytogenetic location: 9q34.3.
Variant type: single nucleotide variant.
Coding change: c.2472C>G on transcript NM_000093.5 (MANE Select); coding-DNA position 2472, C replaced by G.
Protein change: p.Ile824Met; replaces isoleucine 824 with methionine.
Molecular consequence: missense variant.
Genome position (GRCh38, 1-based): chr9:134,782,708, C>G. VCF-style: chr9-134782708-C-G. GRCh37 (hg19) VCF-style: chr9-137674554-C-G.
Other names: c.2472C>G, p.Ile824Met (NM_001278074.1); short protein forms I824M.
Identifiers: ClinVar variation 3368231 (VCV003368231.1).